The following is an entry in ClinVar:

ClinVar aggregate classification (germline): Uncertain significance. Review status: reviewed by expert panel (3 of 4 stars). 3 submissions from 3 submitters: Uncertain significance (1). 2 of the submissions do not count toward it. Last evaluated 2026-05-19.

Conditions:
PIK3R1-related immunodeficiency and SHORT syndrome. Identifiers: MedGen CN379774, MONDO:1060136.
Agammaglobulinemia 7, autosomal recessive (AGM7). Also called: AGAMMAGLOBULINEMIA, AUTOSOMAL RECESSIVE, DUE TO PIK3R1 DEFECT. Identifiers: MedGen C3554689, MONDO:0014083, OMIM 615214.
Immunodeficiency 36 with lymphoproliferation. Also called: Immunodeficiency 36; Activated PI3K Delta Syndrome Type 2 (APDS2); ACTIVATED PI3K-DELTA SYNDROME 2. Identifiers: Orphanet 397596, Orphanet 693681, MedGen C4014934, MONDO:0014453, OMIM 616005.
SHORT syndrome. Also called: LIPODYSTROPHY, PARTIAL, WITH RIEGER ANOMALY AND SHORT STATURE; PIK3R1-Related SHORT Syndrome; SHORT STATURE, HYPEREXTENSIBILITY, HERNIA, OCULAR DEPRESSION, RIEGER ANOMALY, AND TEETHING DELAY. Identifiers: Orphanet 3163, MedGen C0878684, MONDO:0010026, OMIM 269880.

Submissions (3):

ClinGen Primary Immune Regulatory Disorders Variant Curation Expert Panel, ClinGen
Classification: Uncertain significance for PIK3R1-related immunodeficiency and SHORT syndrome. Last evaluated: 2026-05-19. Review status: reviewed by expert panel. Criteria: ClinGen AbDef ACMG Specifications PIK3R1 V1.0.0. Collection method: curation. Allele origin: germline. Inheritance: Autosomal dominant inheritance.
Comment: NM_181523.3(PIK3R1):c.1692C>G (p.Asn564Lys) is a missense variant causing substitution of asparagine by lysine at amino acid 564. Another missense variant in the same codon, NM_181523.3(PIK3R1):c.1690A>G (p.Asn564Asp), has been reported as a somatic mutation in a vascular malformation and overgrowth cohort and has been described ind cancer (PMID: 34040190), but has not yet been classified for PIK3R1-related immunodeficiency with SHORT syndrome by the ClinGen Antibody Deficiencies VCEP, so PM5 is not met. This variant is absent from gnomAD v4.1.0 (PM2_Supporting). This variant has been reported 3 times in a proband diagnosed with immune deficiency, with one of the reports accumulating 11.5 total phenotype points, with genotyping by next-generation sequencing panel for primary immunodeficiency which did not identify an alternative basis for disease in the PIK3CD gene (11.5 total points, clinical details shared confidentially, ClinVar Accession #: SCV001499009.5, PS4_Supporting). Two published reports may describe the same individual or distinct probands (PMID: 28104464, PMID: 29051493). This variant has been reported as a de novo occurrence with confirmed maternal and paternal relationships (by confidential VCEP member-provided genotyping details) in at least 1 proband diagnosed with macrocephaly (PMID: 29051493), The proband may have been previously reported in a more detailed publication describing an affected patient with immune deficiency, with phenotypes including recurrent upper and lower respiratory tract infections (4 pts) with a chest CT showing diffuse abnormalities, macrocephaly, tracheomalacy, a double aortic arch in the context of megalencephaly-capillary malformation syndrome, normal IgG, IgA, and IgM levels, and normal vaccination responses after routine childhood vaccinations, with increased phospho-AKT to AKT ratio in unstimulated CD27+ IgD+ cells from the patient, with genotyping by whole exome sequencing that did not identify an alternative basis for disease in the PIK3CD gene, which together are considered consistent with PIK3R1 as the cause of disease (4 total points, PMID: 28104464, PS2_Supporting). The computational predictor REVEL gives a score of 0.180, which is below the ClinGen Antibody Deficiencies VCEP threshold of <0.290 and predicts a non-damaging effect on PIK3R1 function. The computational predictor CADD gives a PHRED score of 22.9, which is above the ClinGen Antibody Deficiencies VCEP threshold of <21.5 and does not predict a non-deleterious effect on PIK3R1 function. The two predictors do not agree on a non-damaging effect, so BP4 is not met. The splicing impact predictor SpliceAI gives a score of 0.00 for all splicing events, which is below the ClinGen Antibody Deficiencies VCEP recommended threshold of <0.1 and does not strongly predict an impact on splicing. This variant is located within the iSH2 domain of PIK3R1 at a site that is known to make contact with the C2 domain of PIK3CA (PMID: 18079394), and is predicted by structure-based molecular dynamic simulation to disrupt this interaction (PMID: 38541623). Exogenous expression of PIK3R1 harboring the variant in chick embryo fibroblasts resulted in enhanced AKT phosphorylation at Thr308 relative to the wild-type control and weak enhancement of the oncogenic ability to efficiently transform the cells (PMID: 20713702). In summary, this variant meets the criteria to be classified as a variant of uncertain significance for autosomal dominant PIK3R1-related immunodeficiency and SHORT syndrome based on the ACMG/AMP criteria applied, as specified by the ClinGen Antibody Deficiencies VCEP: PM2_Supporting, PS4_Supporting, PS2_Supporting, and PS3_Supporting. (VCEP specifications version 1.0.0; date of approval 04/29/2026).

3billion
Classification: Uncertain significance for SHORT syndrome. Last evaluated: 2023-12-11. Review status: criteria provided, single submitter. Criteria: ACMG Guidelines, 2015. Collection method: clinical testing. Allele origin: germline. Affected: yes. Not counted in ClinVar's aggregate classification.
Comment: The variant is not observed in the gnomAD v2.1.1 dataset. Predicted Consequence/Location: Missense variant In silico tool predictions suggest damaging effect of the variant on gene or gene product [3Cnet: 0.87 (>=0.6, sensitivity 0.72 and precision 0.9)]. Same nucleotide change resulting in same amino acid change has been previously reported to be associated with PIK3R1 related disorder (ClinVar ID: VCV000376067 /PMID: 28104464). Different missense changes at the same codon (p.Asn564Asp) have been reported to be associated with PIK3R1 related disorder (ClinVar ID: VCV000376261). However the evidence of pathogenicity is insufficient at this time. Therefore, this variant is classified as VUS according to the recommendation of ACMG/AMP guideline.

Labcorp Genetics (formerly Invitae), Labcorp
Classification: Pathogenic for SHORT syndrome; Immunodeficiency 36 with lymphoproliferation; Agammaglobulinemia 7, autosomal recessive. Last evaluated: 2023-05-03. Review status: criteria provided, single submitter. Criteria: Invitae Variant Classification Sherloc (09022015). Collection method: clinical testing. Allele origin: germline. Not counted in ClinVar's aggregate classification.
Comment: This sequence change replaces asparagine, which is neutral and polar, with lysine, which is basic and polar, at codon 564 of the PIK3R1 protein (p.Asn564Lys). This variant is not present in population databases (gnomAD no frequency). This missense change has been observed in individual(s) with activated PI3K delta syndrome and/or clinical features of activated PI3K delta syndrome (PMID: 28104464, 29051493; Invitae). In at least one individual the variant was observed to be de novo. ClinVar contains an entry for this variant (Variation ID: 376067). Advanced modeling of protein sequence and biophysical properties (such as structural, functional, and spatial information, amino acid conservation, physicochemical variation, residue mobility, and thermodynamic stability) performed at Invitae indicates that this missense variant is expected to disrupt PIK3R1 protein function. For these reasons, this variant has been classified as Pathogenic.

Literature cited by the submitters: PubMed 28104464 (cited by 3billion and Labcorp Genetics (formerly Invitae), Labcorp); PubMed 29051493 (cited by Labcorp Genetics (formerly Invitae), Labcorp).

NM_181523.3(PIK3R1):c.1692C>G (p.Asn564Lys)

Gene: PIK3R1 (phosphoinositide-3-kinase regulatory subunit 1; plus strand). Cytogenetic location: 5q13.1.
Variant type: single nucleotide variant.
Coding change: c.1692C>G on transcript NM_181523.3 (MANE Select); coding-DNA position 1692, C replaced by G.
Protein change: p.Asn564Lys; replaces asparagine 564 with lysine.
Molecular consequence: missense variant.
Genome position (GRCh38, 1-based): chr5:68,295,271, C>G. VCF-style: chr5-68295271-C-G. GRCh37 (hg19) VCF-style: chr5-67591099-C-G.
Other names: NM_181523.3(PIK3R1):c.1692C>G; p.Asn564Lys; c.603C>G, p.Asn201Lys (NM_001242466.2); c.882C>G, p.Asn294Lys (NM_181504.4); c.792C>G, p.Asn264Lys (NM_181524.2); short protein forms N564K, N201K, N264K, N294K.
Identifiers: ClinVar variation 376067 (VCV000376067.12), dbSNP rs773686816, ClinGen allele CA16602529.
Genomic context (GRCh38, chr5:68,295,271, plus strand): 5'-ATTGGAAGAAGACTTGAAGAAGCAGGCAGCTGAGTATCGAGAAATTGACAAACGTATGAA[C>G]AGCATTAAACCAGACCTTATCCAGCTGAGAAAGACGAGAGACCAATACTTGATGTAAGTA-3'
Protein context (NP_852664.1, residues 554-574): AEYREIDKRM[Asn564Lys]SIKPDLIQLR